The following is an entry in ClinVar:

ClinVar aggregate classification (germline): Pathogenic (1 of 4 stars; one submission).

Conditions:
Congenital myasthenic syndrome 12 (CMS12). Also called: MYASTHENIC SYNDROME, CONGENITAL, WITH TUBULAR AGGREGATES 1; Myasthenia, congenital, 12, with tubular aggregates. Identifiers: Orphanet 353327, Orphanet 590, MedGen C3552335, MONDO:0012518, OMIM 610542.

Allele frequency attached by ClinVar (database versions not stated): gnomAD exomes below 0.00001.

Submission:

Labcorp Genetics (formerly Invitae), Labcorp
Classification: Pathogenic for Congenital myasthenic syndrome 12. Last evaluated: 2022-01-14. Review status: criteria provided, single submitter. Criteria: Invitae Variant Classification Sherloc (09022015). Collection method: clinical testing. Allele origin: germline.
Comment: This sequence change creates a premature translational stop signal (p.Arg311*) in the GFPT1 gene. It is expected to result in an absent or disrupted protein product. Loss-of-function variants in GFPT1 are known to be pathogenic (PMID: 23794683). This variant is not present in population databases (gnomAD no frequency). This variant has not been reported in the literature in individuals affected with GFPT1-related conditions. ClinVar contains an entry for this variant (Variation ID: 1070025). For these reasons, this variant has been classified as Pathogenic.

Literature cited by the submitters: PubMed 23794683.

NM_001244710.2(GFPT1):c.931C>T (p.Arg311Ter)

Gene: GFPT1 (glutamine--fructose-6-phosphate transaminase 1; minus strand). Cytogenetic location: 2p13.3.
Variant type: single nucleotide variant.
Coding change: c.931C>T on transcript NM_001244710.2 (MANE Select); coding-DNA position 931, C replaced by T.
Protein change: p.Arg311Ter; replaces arginine 311 with a stop codon.
Molecular consequence: nonsense.
Genome position (GRCh38, 1-based): chr2:69,348,249, G>A on the plus strand (C>T on the coding strand, the complement: GFPT1 is on the minus strand). VCF-style: chr2-69348249-G-A. GRCh37 (hg19) VCF-style: chr2-69575381-G-A.
Other names: c.877C>T, p.Arg293Ter (NM_002056.4); short protein forms R293*, R311*.
Identifiers: ClinVar variation 1070025 (VCV001070025.8), dbSNP rs2104635880, ClinGen allele CA347127872.